The following is an entry in ClinVar:

NM_000038.6(APC):c.8231A>G (p.Asn2744Ser)

Gene: APC (APC regulator of Wnt signaling pathway; plus strand). Cytogenetic location: 5q22.2.
Variant type: single nucleotide variant.
Coding change: c.8231A>G on transcript NM_000038.6 (MANE Select); coding-DNA position 8231, A replaced by G.
Protein change: p.Asn2744Ser; replaces asparagine 2744 with serine.
Molecular consequence: missense variant. On other transcripts: non-coding transcript variant (2).
Genome position (GRCh38, 1-based): chr5:112,843,825, A>G. VCF-style: chr5-112843825-A-G. GRCh37 (hg19) VCF-style: chr5-112179522-A-G.
Other names: c.8231A>G, p.Asn2744Ser (NM_001127510.3, NM_001354895.2, NM_001407450.1); c.8177A>G, p.Asn2726Ser (NM_001127511.3); c.8285A>G, p.Asn2762Ser (NM_001354896.2, NM_001407447.1, NM_001407448.1 and 1 more transcripts); c.8261A>G, p.Asn2754Ser (NM_001354897.2); c.8156A>G, p.Asn2719Ser (NM_001354898.2); c.8147A>G, p.Asn2716Ser (NM_001354899.2); c.8108A>G, p.Asn2703Ser (NM_001354900.2); c.8054A>G, p.Asn2685Ser (NM_001354901.2, NM_001407453.1); and 11 more; short protein forms N2584S, N2618S, N2716S, N2726S, N2737S, N2754S, N2772S, N2643S.
Identifiers: ClinVar variation 3011585 (VCV003011585.3), dbSNP rs2150001488, ClinGen allele CA16039200.

ClinVar aggregate classification (germline): Uncertain significance (1 of 4 stars; one submission).

Conditions:
Familial adenomatous polyposis 1 (FAP1). Also called: FAMILIAL ADENOMATOUS POLYPOSIS 1, ATTENUATED; POLYPOSIS, ADENOMATOUS INTESTINAL. Identifiers: MedGen C2713442, MONDO:0021056, OMIM 175100. Disease mechanism: loss of function.

Submission:

Labcorp Genetics (formerly Invitae), Labcorp
Classification: Uncertain significance for Familial adenomatous polyposis 1. Last evaluated: 2024-01-13. Review status: criteria provided, single submitter. Criteria: Invitae Variant Classification Sherloc (09022015). Collection method: clinical testing. Allele origin: germline.
Comment: This sequence change replaces asparagine, which is neutral and polar, with serine, which is neutral and polar, at codon 2744 of the APC protein (p.Asn2744Ser). This variant is not present in population databases (gnomAD no frequency). This variant has not been reported in the literature in individuals affected with APC-related conditions. Advanced modeling of protein sequence and biophysical properties (such as structural, functional, and spatial information, amino acid conservation, physicochemical variation, residue mobility, and thermodynamic stability) performed at Invitae indicates that this missense variant is not expected to disrupt APC protein function with a negative predictive value of 95%. In summary, the available evidence is currently insufficient to determine the role of this variant in disease. Therefore, it has been classified as a Variant of Uncertain Significance.